The following is an entry in ClinVar:

ClinVar aggregate classification (germline): Pathogenic/Likely pathogenic. Review status: criteria provided, multiple submitters, no conflicts (2 of 4 stars). 6 submissions from 6 submitters: Pathogenic (4); Likely pathogenic (1). 1 of the submissions does not count toward it. Last evaluated 2025-03-01.

Conditions:
Lessel-Kreienkamp syndrome. Identifiers: MedGen C5436892, MONDO:0030897, OMIM 619149.
Inborn genetic diseases. Identifiers: MedGen C0950123, MeSH D030342.

Submissions (6):

CeGaT Center for Human Genetics Tuebingen
Classification: Pathogenic. Last evaluated: 2025-03-01. Review status: criteria provided, single submitter. Criteria: CeGaT Center For Human Genetics Tuebingen Variant Classification Criteria Version 2. Collection method: clinical testing. Allele origin: germline. Affected: yes. Observed: 1 variant allele.
Comment: AGO2: PS2, PM2, PS4:Moderate, PP2, PS3:Supporting

Ambry Genetics
Classification: Pathogenic for Inborn genetic diseases. Last evaluated: 2025-01-31. Review status: criteria provided, single submitter. Criteria: Ambry Variant Classification Scheme 2023. Collection method: clinical testing. Allele origin: germline.
Comment: The c.1070C>T (p.T357M) alteration is located in exon 9 (coding exon 9) of the AGO2 gene. This alteration results from a C to T substitution at nucleotide position 1070, causing the threonine (T) at amino acid position 357 to be replaced by a methionine (M). This variant was not reported in population-based cohorts in the Genome Aggregation Database (gnomAD). This variant was reported in individual(s) with features consistent with Lessel-Kreienkamp syndrome; in at least one individual, it was determined to be de novo or the result of germline mosaicism (Lessel, 2020; Stutterd, 2022). This amino acid position is highly conserved in available vertebrate species. This missense alteration is located in a region that has a low rate of benign missense variation (Lek, 2016; Firth, 2009). In multiple assays testing AGO2 function, this variant showed functionally abnormal and functionally normal results (Lessel, 2020). The in silico prediction for this alteration is inconclusive. Based on the available evidence, this alteration is classified as pathogenic.

MVZ Medizinische Genetik Mainz
Classification: Likely pathogenic for Lessel-Kreienkamp syndrome. Last evaluated: 2023-10-05. Review status: criteria provided, single submitter. Criteria: UK Practice Guidelines For Variant Classification V4 01 2020. Collection method: clinical testing. Allele origin: germline. Inheritance: Autosomal dominant inheritance. Affected: yes. Observed: 1 variant allele.
Comment: ACMG Criteria: PS4,PM2_SUP,PP2

GeneDx
Classification: Pathogenic. Last evaluated: 2022-09-30. Review status: criteria provided, single submitter. Criteria: GeneDx Variant Classification Process June 2021. Collection method: clinical testing. Allele origin: germline. Affected: yes.
Comment: Previously reported in multiple individuals with features consistent with AGO2-related neurodevelopmental disorder (Lessel et al., 2020); Not observed in large population cohorts (gnomAD); Published functional studies suggest this variant results in some impairment of protein function however additional studies are needed to validate the functional effect of this variant in vivo (Lessel et al., 2020); In silico analysis supports that this missense variant has a deleterious effect on protein structure/function; This variant is associated with the following publications: (PMID: 35803560, 33199684)

Bruce Lefroy Centre, Murdoch Childrens Research Institute
Classification: Pathogenic for Lessel-Kreienkamp syndrome. Review status: criteria provided, single submitter. Criteria: ACMG Guidelines, 2015. Collection method: research. Allele origin: unknown. Inheritance: Autosomal dominant inheritance. Affected: yes. Observed: 1 variant allele.

OMIM
Classification: Pathogenic for LESSEL-KREIENKAMP SYNDROME. Last evaluated: 2021-01-20. Review status: no assertion criteria provided. Collection method: literature only. Allele origin: germline. Not counted in ClinVar's aggregate classification.

Literature cited by the submitters: PubMed 33199684 (cited by Ambry Genetics and OMIM); PubMed 35803560 (cited by Ambry Genetics).

NM_012154.5(AGO2):c.1070C>T (p.Thr357Met)

Gene: AGO2 (argonaute RISC catalytic component 2; minus strand). Cytogenetic location: 8q24.3.
Variant type: single nucleotide variant.
Coding change: c.1070C>T on transcript NM_012154.5 (MANE Select); coding-DNA position 1070, C replaced by T.
Protein change: p.Thr357Met; replaces threonine 357 with methionine.
Molecular consequence: missense variant.
Genome position (GRCh38, 1-based): chr8:140,556,243, G>A on the plus strand (C>T on the coding strand, the complement: AGO2 is on the minus strand). VCF-style: chr8-140556243-G-A. GRCh37 (hg19) VCF-style: chr8-141566342-G-A.
Other names: c.1070C>T, p.Thr357Met (NM_001164623.3); short protein forms T357M.
Identifiers: ClinVar variation 995792 (VCV000995792.15), dbSNP rs2073092496, ClinGen allele CA372322045.